The following is an entry in ClinVar:

NM_001609.4(ACADSB):c.8G>A (p.Gly3Asp)

Gene: ACADSB (acyl-CoA dehydrogenase short/branched chain; plus strand). Cytogenetic location: 10q26.13.
Variant type: single nucleotide variant.
Coding change: c.8G>A on transcript NM_001609.4 (MANE Select); coding-DNA position 8, G replaced by A.
Protein change: p.Gly3Asp; replaces glycine 3 with aspartic acid.
Molecular consequence: missense variant. On other transcripts: 5 prime UTR variant (1).
Genome position (GRCh38, 1-based): chr10:123,009,037, G>A. VCF-style: chr10-123009037-G-A. GRCh37 (hg19) VCF-style: chr10-124768553-G-A.
Other names: c.-198G>A (NM_001330174.3); short protein forms G3D.
Identifiers: ClinVar variation 2195993 (VCV002195993.4), dbSNP rs778965920, ClinGen allele CA5730577.

ClinVar aggregate classification (germline): Uncertain significance (1 of 4 stars; one submission).

Conditions:
Deficiency of 2-methylbutyryl-CoA dehydrogenase (ACADSB). Also called: 2-methylbutyrylglycinuria; 2-methylbutyryl-CoA dehydrogenase deficiency; SBCAD deficiency; 2-methylbutyric aciduria; Short branched-chain acyl-CoA dehydrogenase deficiency. Identifiers: Orphanet 79157, MedGen C1864912, MONDO:0012392, OMIM 610006, HP:0020147.

Allele frequency attached by ClinVar (database versions not stated): TOPMed 0.00003; ExAC 0.00006.
gnomAD v4.1: 19 of 1,548,048 alleles (0.0012%); highest among the groups gnomAD compares: South Asian, 0.021%; no homozygotes.

Submission:

Labcorp Genetics (formerly Invitae), Labcorp
Classification: Uncertain significance for Deficiency of 2-methylbutyryl-CoA dehydrogenase. Last evaluated: 2022-08-01. Review status: criteria provided, single submitter. Criteria: Invitae Variant Classification Sherloc (09022015). Collection method: clinical testing. Allele origin: germline.
Comment: This variant has not been reported in the literature in individuals affected with ACADSB-related conditions. In summary, the available evidence is currently insufficient to determine the role of this variant in disease. Therefore, it has been classified as a Variant of Uncertain Significance. Algorithms developed to predict the effect of missense changes on protein structure and function are either unavailable or do not agree on the potential impact of this missense change (SIFT: "Tolerated"; PolyPhen-2: "Probably Damaging"; Align-GVGD: "Class C0"). This variant is present in population databases (rs778965920, gnomAD 0.02%). This sequence change replaces glycine, which is neutral and non-polar, with aspartic acid, which is acidic and polar, at codon 3 of the ACADSB protein (p.Gly3Asp).